The following is an entry in ClinVar:

ClinVar aggregate classification (germline): Pathogenic (1 of 4 stars; one submission).

Submission:

Labcorp Genetics (formerly Invitae), Labcorp
Classification: Pathogenic. Last evaluated: 2022-06-13. Review status: criteria provided, single submitter. Criteria: Invitae Variant Classification Sherloc (09022015). Collection method: clinical testing. Allele origin: germline.
Comment: For these reasons, this variant has been classified as Pathogenic. This variant has not been reported in the literature in individuals affected with LAMB3-related conditions. This variant is not present in population databases (gnomAD no frequency). This sequence change creates a premature translational stop signal (p.Asp70Valfs*14) in the LAMB3 gene. It is expected to result in an absent or disrupted protein product. Loss-of-function variants in LAMB3 are known to be pathogenic (PMID: 11023379, 16473856).

Literature cited by the submitters: PubMed 11023379; PubMed 16473856.

NM_000228.3(LAMB3):c.207_208dup (p.Asp70fs)

Gene: LAMB3 (laminin subunit beta 3; minus strand). Cytogenetic location: 1q32.2.
Variant type: Microsatellite.
Coding change: c.207_208dup on transcript NM_000228.3 (MANE Select); coding-DNA positions 207 to 208, 2 bases duplicated (TG; older notation c.207_208dupTG).
Protein change: p.Asp70fs; shifts the reading frame from aspartic acid 70.
Molecular consequence: frameshift variant.
Genome position (GRCh38, 1-based): chr1:209,638,624-209,638,625, CA duplicated on the plus strand (TG on the coding strand, the reverse complement: LAMB3 is on the minus strand); duplicating any 2 consecutive bases within chr1:209,638,624-209,638,628 gives the same sequence; the c. name uses the placement nearest the transcript's 3' end. VCF-style (leftmost placement, unchanged base first): chr1-209638623-T-TCA. GRCh37 (hg19) VCF-style: chr1-209811968-T-TCA.
Other names: c.207_208dup, p.Asp70fs (NM_001017402.2, NM_001127641.1); short protein forms D70fs.
Identifiers: ClinVar variation 2005697 (VCV002005697.4), dbSNP rs2464899127, ClinGen allele CA2580611230.
Genomic context (GRCh38, chr1:209,638,623, plus strand): 5'-CCGGAGGATGAAGCCACATTCTCTACTCGGTGACTGTAGTAGTTGTGAGGCTGCCTGGAG[T>TCA]CACACTTGCAGCATTTCATCTGCCACTGTGGGAGAGGGAGATAGCAGACACTCAGAGGTG-3'